The following is an entry in ClinVar:

NM_001379403.1(WDR26):c.446C>T (p.Ser149Phe)

Gene: WDR26 (WD repeat domain 26; minus strand). Cytogenetic location: 1q42.12.
Variant type: single nucleotide variant.
Coding change: c.446C>T on transcript NM_001379403.1 (MANE Select); coding-DNA position 446, C replaced by T.
Protein change: p.Ser149Phe; replaces serine 149 with phenylalanine.
Molecular consequence: missense variant.
Genome position (GRCh38, 1-based): chr1:224,433,960, G>A on the plus strand (C>T on the coding strand, the complement: WDR26 is on the minus strand). VCF-style: chr1-224433960-G-A. GRCh37 (hg19) VCF-style: chr1-224621662-G-A.
Other names: c.146C>T, p.Ser49Phe (NM_001115113.3, NM_025160.7); short protein forms S149F, S49F.
Identifiers: ClinVar variation 4681717 (VCV004681717.5).
Genomic context (GRCh38, chr1:224,433,960, plus strand): 5'-TTGCTGGCGGCGGAGGGGGCGGAAGGCAGGAGCCCATTGGCGTGGGCCAGGTCCCCCGCG[G>A]ACGACGACGACGAGGGGGACGACTCCCCGTTCTGGGCCGACAAGCAGGCGAGTTCCGGGG-3'
Protein context (NP_001366332.1, residues 139-159): NGESSPSSSS[Ser149Phe]AGDLAHANGL

ClinVar aggregate classification (germline): Uncertain significance (1 of 4 stars; one submission).

gnomAD v4.1: 1 of 1,529,650 alleles (0.000065%); highest among the groups gnomAD compares: Non-Finnish European, 0.000088%; no homozygotes.

Submission:

CeGaT Center for Human Genetics Tuebingen
Classification: Uncertain significance. Last evaluated: 2025-12-01. Review status: criteria provided, single submitter. Criteria: CeGaT Center For Human Genetics Tuebingen Variant Classification Criteria Version 2. Collection method: clinical testing. Allele origin: germline. Affected: yes. Observed: 1 variant allele.
Comment: WDR26: PM2:Supporting